The following is an entry in ClinVar:

NM_014704.4(CEP104):c.1636G>A (p.Val546Ile)

Gene: CEP104 (centrosomal protein 104; minus strand). Cytogenetic location: 1p36.32.
Variant type: single nucleotide variant.
Coding change: c.1636G>A on transcript NM_014704.4 (MANE Select); coding-DNA position 1636, G replaced by A.
Protein change: p.Val546Ile; replaces valine 546 with isoleucine.
Molecular consequence: missense variant.
Genome position (GRCh38, 1-based): chr1:3,833,885, C>T on the plus strand (G>A on the coding strand, the complement: CEP104 is on the minus strand). VCF-style: chr1-3833885-C-T. GRCh37 (hg19) VCF-style: chr1-3750449-C-T.
Other names: c.1636G>A (NM_014704.3); short protein forms V546I.
Identifiers: ClinVar variation 3004422 (VCV003004422.6), dbSNP rs199751526, ClinGen allele CA551557.

ClinVar aggregate classification (germline): Benign/Likely benign. Review status: criteria provided, multiple submitters, no conflicts (2 of 4 stars). 3 submissions from 3 submitters: Benign (1); Likely benign (1). 1 of the submissions does not count toward it. Last evaluated 2026-01-28.

Conditions:
CEP104-related disorder. Also called: CEP104-related condition.
Joubert syndrome 25 (JBTS25). Identifiers: Orphanet 475, MedGen C4084842, MONDO:0014770, OMIM 616781.

Allele frequency attached by ClinVar (database versions not stated): TOPMed 0.00005; gnomAD 0.00016; gnomAD exomes 0.00028; ExAC 0.00053; 1000 Genomes Project 0.00080; 1000 Genomes Project 30x 0.00125.
gnomAD v4.1: 442 of 1,614,214 alleles (0.027%); highest among the groups gnomAD compares: South Asian, 0.41%; 7 homozygotes.

Submissions (3):

Labcorp Genetics (formerly Invitae), Labcorp
Classification: Benign for Joubert syndrome 25. Last evaluated: 2026-01-28. Review status: criteria provided, single submitter. Criteria: Invitae Variant Classification Sherloc (09022015). Collection method: clinical testing. Allele origin: germline.

Blueprint Genetics
Classification: Likely benign. Last evaluated: 2024-03-26. Review status: criteria provided, single submitter. Criteria: ACMG Guidelines, 2015. Collection method: clinical testing. Allele origin: germline.

PreventionGenetics, part of Exact Sciences
Classification: Likely benign for CEP104-related condition. Last evaluated: 2022-04-12. Review status: no assertion criteria provided. Collection method: clinical testing. Allele origin: germline. Not counted in ClinVar's aggregate classification.
Comment: This variant is classified as likely benign based on ACMG/AMP sequence variant interpretation guidelines (Richards et al. 2015 PMID: 25741868, with internal and published modifications).